The following is an entry in ClinVar:

NM_001010892.3(RSPH4A):c.505A>G (p.Asn169Asp)

Gene: RSPH4A (radial spoke head component 4A; plus strand). Cytogenetic location: 6q22.1.
Variant type: single nucleotide variant.
Coding change: c.505A>G on transcript NM_001010892.3 (MANE Select); coding-DNA position 505, A replaced by G.
Protein change: p.Asn169Asp; replaces asparagine 169 with aspartic acid.
Molecular consequence: missense variant.
Genome position (GRCh38, 1-based): chr6:116,617,128, A>G. VCF-style: chr6-116617128-A-G. GRCh37 (hg19) VCF-style: chr6-116938291-A-G.
Other names: c.505A>G, p.Asn169Asp (NM_001161664.2); short protein forms N169D.
Identifiers: ClinVar variation 1745081 (VCV001745081.2), dbSNP rs2482778654, ClinGen allele CA365393965.

ClinVar aggregate classification (germline): Uncertain significance (1 of 4 stars; one submission).

Conditions:
Primary ciliary dyskinesia. Also called: Ciliary dyskinesia. Identifiers: Orphanet 244, MedGen C0008780, MONDO:0016575, HP:0012265.

Submission:

Ambry Genetics
Classification: Uncertain significance for Primary ciliary dyskinesia. Last evaluated: 2021-09-20. Review status: criteria provided, single submitter. Criteria: Ambry Variant Classification Scheme 2023. Collection method: clinical testing. Allele origin: germline.
Comment: The p.N169D variant (also known as c.505A>G), located in coding exon 1 of the RSPH4A gene, results from an A to G substitution at nucleotide position 505. The asparagine at codon 169 is replaced by aspartic acid, an amino acid with highly similar properties. This amino acid position is conserved. In addition, this alteration is predicted to be tolerated by in silico analysis. Since supporting evidence is limited at this time, the clinical significance of this alteration remains unclear.